The following is an entry in ClinVar:

ClinVar aggregate classification (germline): Likely benign (1 of 4 stars; one submission).

gnomAD v4.1: 3 of 1,614,150 alleles (0.00019%); highest among the groups gnomAD compares: South Asian, 0.0022%; no homozygotes.

Submission:

CeGaT Center for Human Genetics Tuebingen
Classification: Likely benign. Last evaluated: 2024-12-01. Review status: criteria provided, single submitter. Criteria: CeGaT Center For Human Genetics Tuebingen Variant Classification Criteria Version 2. Collection method: clinical testing. Allele origin: germline. Affected: yes. Observed: 1 variant allele.
Comment: KMT2A: BP4, BP7

NM_001197104.2(KMT2A):c.7668A>G (p.Thr2556=)

Gene: KMT2A (lysine methyltransferase 2A; plus strand). Cytogenetic location: 11q23.3.
Variant type: single nucleotide variant.
Coding change: c.7668A>G on transcript NM_001197104.2 (MANE Select); coding-DNA position 7668, A replaced by G.
Protein change: p.Thr2556=; no amino-acid change (threonine 2556 retained).
Molecular consequence: synonymous variant.
Genome position (GRCh38, 1-based): chr11:118,503,560, A>G. VCF-style: chr11-118503560-A-G. GRCh37 (hg19) VCF-style: chr11-118374275-A-G.
Other names: c.7758A>G, p.Thr2586= (NM_001412597.1); c.7659A>G, p.Thr2553= (NM_005933.4).
Identifiers: ClinVar variation 3772194 (VCV003772194.13).